The following is an entry in ClinVar:

NM_017636.4(TRPM4):c.3301C>G (p.Pro1101Ala)

Gene: TRPM4 (transient receptor potential cation channel subfamily M member 4; plus strand). Cytogenetic location: 19q13.33.
Variant type: single nucleotide variant.
Coding change: c.3301C>G on transcript NM_017636.4 (MANE Select); coding-DNA position 3301, C replaced by G.
Protein change: p.Pro1101Ala; replaces proline 1101 with alanine.
Molecular consequence: missense variant.
Genome position (GRCh38, 1-based): chr19:49,210,378, C>G. VCF-style: chr19-49210378-C-G. GRCh37 (hg19) VCF-style: chr19-49713635-C-G.
Other names: c.2866C>G, p.Pro956Ala (NM_001195227.2); c.2956C>G, p.Pro986Ala (NM_001321281.2); c.1693C>G, p.Pro565Ala (NM_001321282.2); c.2779C>G, p.Pro927Ala (NM_001321283.2); c.2239C>G, p.Pro747Ala (NM_001321285.2); c.3301C>G (NM_017636.3); short protein forms P927A, P956A, P986A, P565A, P747A, P1101A.
Identifiers: ClinVar variation 3715394 (VCV003715394.3).
Genomic context (GRCh38, chr19:49,210,378, plus strand): 5'-GTCATCTCCCACTTGCGCCTCCTGCTCAGGCAATTGTGCAGGCGACCCCGGAGCCCCCAG[C>G]CGTCCTCCCCGGCCCTCGAGCATTTCCGTAAGAACAGAGCTTGGCTTAAAAAGGAGAAAT-3'
Protein context (NP_060106.2, residues 1091-1111): QLCRRPRSPQ[Pro1101Ala]SSPALEHFRV

ClinVar aggregate classification (germline): Conflicting classifications of pathogenicity. Review status: criteria provided, conflicting classifications (1 of 4 stars). 2 submissions from 2 submitters: Uncertain significance (1); Likely benign (1). Last evaluated 2026-05-05.

Conditions:
Cardiovascular phenotype. Identifiers: MedGen CN230736.
Progressive familial heart block type IB (PFHB1B). Identifiers: Orphanet 871, MedGen C1970298, MONDO:0011474, OMIM 604559.

gnomAD v4.1: 5 of 1,613,942 alleles (0.00031%); highest among the groups gnomAD compares: Middle Eastern, 0.017%; no homozygotes.

Submissions (2):

Ambry Genetics
Classification: Likely benign for Cardiovascular phenotype. Last evaluated: 2026-05-05. Review status: criteria provided, single submitter. Criteria: Ambry Variant Classification Scheme 2023. Collection method: clinical testing. Allele origin: germline.

Labcorp Genetics (formerly Invitae), Labcorp
Classification: Uncertain significance for Progressive familial heart block type IB. Last evaluated: 2024-05-31. Review status: criteria provided, single submitter. Criteria: Invitae Variant Classification Sherloc (09022015). Collection method: clinical testing. Allele origin: germline.
Comment: This sequence change replaces proline, which is neutral and non-polar, with alanine, which is neutral and non-polar, at codon 1101 of the TRPM4 protein (p.Pro1101Ala). This variant is present in population databases (no rsID available, gnomAD 0.0009%). This variant has not been reported in the literature in individuals affected with TRPM4-related conditions. An algorithm developed to predict the effect of missense changes on protein structure and function (PolyPhen-2) suggests that this variant is likely to be tolerated. In summary, the available evidence is currently insufficient to determine the role of this variant in disease. Therefore, it has been classified as a Variant of Uncertain Significance.